The following is an entry in ClinVar:

ClinVar aggregate classification (germline): Uncertain significance (1 of 4 stars; one submission).

Conditions:
Hepatic methionine adenosyltransferase deficiency. Also called: Methionine adenosyltransferase deficiency; Isolated Persistent Hypermethioninemia; Deficiency of methionine adenosyltransferase; MAT I/III DEFICIENCY. Identifiers: Orphanet 168598, MedGen C0268621, MeSH C564683, MONDO:0009607, OMIM 250850.

gnomAD v4.1: 2 of 1,614,064 alleles (0.00012%); highest among the groups gnomAD compares: African/African-American, 0.0013%; no homozygotes.

Submission:

Labcorp Genetics (formerly Invitae), Labcorp
Classification: Uncertain significance for Hepatic methionine adenosyltransferase deficiency. Last evaluated: 2024-12-29. Review status: criteria provided, single submitter. Criteria: Invitae Variant Classification Sherloc (09022015). Collection method: clinical testing. Allele origin: germline.
Comment: This sequence change replaces aspartic acid, which is acidic and polar, with glycine, which is neutral and non-polar, at codon 93 of the MAT1A protein (p.Asp93Gly). This variant is not present in population databases (gnomAD no frequency). This variant has not been reported in the literature in individuals affected with MAT1A-related conditions. Invitae Evidence Modeling of protein sequence and biophysical properties (such as structural, functional, and spatial information, amino acid conservation, physicochemical variation, residue mobility, and thermodynamic stability) indicates that this missense variant is expected to disrupt MAT1A protein function with a positive predictive value of 80%. In summary, the available evidence is currently insufficient to determine the role of this variant in disease. Therefore, it has been classified as a Variant of Uncertain Significance.

NM_000429.3(MAT1A):c.278A>G (p.Asp93Gly)

Gene: MAT1A (methionine adenosyltransferase 1A; minus strand). Cytogenetic location: 10q22.3.
Variant type: single nucleotide variant.
Coding change: c.278A>G on transcript NM_000429.3 (MANE Select); coding-DNA position 278, A replaced by G.
Protein change: p.Asp93Gly; replaces aspartic acid 93 with glycine.
Molecular consequence: missense variant.
Genome position (GRCh38, 1-based): chr10:80,283,930, T>C on the plus strand (A>G on the coding strand, the complement: MAT1A is on the minus strand). VCF-style: chr10-80283930-T-C. GRCh37 (hg19) VCF-style: chr10-82043686-T-C.
Other names: short protein forms D93G.
Identifiers: ClinVar variation 3715457 (VCV003715457.2).